The following is an entry in ClinVar:

ClinVar aggregate classification (germline): Uncertain significance (1 of 4 stars; one submission).

Conditions:
Mendelian susceptibility to mycobacterial diseases due to partial STAT1 deficiency. Also called: IMMUNODEFICIENCY 31A, MYCOBACTERIOSIS, AUTOSOMAL DOMINANT; STAT1 DEFICIENCY, AUTOSOMAL DOMINANT; Immunodeficiency 31a. Identifiers: Orphanet 319595, MedGen C4013950, MONDO:0013956, OMIM 614892.
Immunodeficiency 31B. Also called: IMMUNODEFICIENCY 31B, MYCOBACTERIAL AND VIRAL INFECTIONS, AUTOSOMAL RECESSIVE; STAT1 DEFICIENCY, AUTOSOMAL RECESSIVE. Identifiers: Orphanet 391311, MedGen C3151088, MONDO:0013427, OMIM 613796.
Autoimmune enteropathy and endocrinopathy - susceptibility to chronic infections syndrome. Also called: Immunodeficiency 31C, autosomal dominant; Immunodeficiency 31C. Identifiers: Orphanet 391487, MedGen C3279990, MONDO:0013599, OMIM 614162.

Allele frequency attached by ClinVar (database versions not stated): gnomAD exomes below 0.00001; gnomAD 0.00001; TOPMed 0.00001.
gnomAD v4.1: 3 of 1,614,010 alleles (0.00019%); highest among the groups gnomAD compares: African/African-American, 0.004%; no homozygotes.

Submission:

Labcorp Genetics (formerly Invitae), Labcorp
Classification: Uncertain significance for Mendelian susceptibility to mycobacterial diseases due to partial STAT1 deficiency; Immunodeficiency 31B; Autoimmune enteropathy and endocrinopathy - susceptibility to chronic infections syndrome. Last evaluated: 2023-06-01. Review status: criteria provided, single submitter. Criteria: Invitae Variant Classification Sherloc (09022015). Collection method: clinical testing. Allele origin: germline.
Comment: In summary, the available evidence is currently insufficient to determine the role of this variant in disease. Therefore, it has been classified as a Variant of Uncertain Significance. Algorithms developed to predict the effect of sequence changes on RNA splicing suggest that this variant may disrupt the consensus splice site. This variant has not been reported in the literature in individuals affected with STAT1-related conditions. This variant is not present in population databases (gnomAD no frequency). This sequence change affects codon 474 of the STAT1 mRNA. It is a 'silent' change, meaning that it does not change the encoded amino acid sequence of the STAT1 protein.

NM_007315.4(STAT1):c.1422C>T (p.Tyr474=)

Gene: STAT1 (signal transducer and activator of transcription 1; minus strand). Cytogenetic location: 2q32.2.
Variant type: single nucleotide variant.
Coding change: c.1422C>T on transcript NM_007315.4 (MANE Select); coding-DNA position 1422, C replaced by T.
Protein change: p.Tyr474=; no amino-acid change (tyrosine 474 retained).
Molecular consequence: synonymous variant.
Genome position (GRCh38, 1-based): chr2:190,983,666, G>A on the plus strand (C>T on the coding strand, the complement: STAT1 is on the minus strand). VCF-style: chr2-190983666-G-A. GRCh37 (hg19) VCF-style: chr2-191848392-G-A.
Other names: c.1362C>T, p.Tyr454= (NM_001384880.1); c.1428C>T, p.Tyr476= (NM_001384881.1, NM_001384884.1); c.1416C>T, p.Tyr472= (NM_001384882.1); c.1323C>T, p.Tyr441= (NM_001384883.1); c.1263C>T, p.Tyr421= (NM_001384885.1); c.1422C>T, p.Tyr474= (NM_001384886.1, NM_001384889.1, NM_139266.3); c.1329C>T, p.Tyr443= (NM_001384887.1); c.1392C>T, p.Tyr464= (NM_001384888.1); and 2 more.
Identifiers: ClinVar variation 2932897 (VCV002932897.3), dbSNP rs1412645448, ClinGen allele CA430331868.
Genomic context (GRCh38, chr2:190,983,666, plus strand): 5'-TTAACCCTGGGACCAAAGCAAATGTGTTTTCCATACCCTGGGTTCCGCCACCAGCATGTT[G>A]TACCAAAGGATGGAGGCCCAACCGCTCGGGAGCTGGCTGACGTTGGAGATCACCACAACG-3'
Protein context (NP_009330.1, residues 464-484): LPSGWASILW[Tyr474=]NMLVAEPRNL